The following is an entry in ClinVar:

NM_000329.3(RPE65):c.1178C>A (p.Ala393Glu)

Gene: RPE65 (retinoid isomerohydrolase RPE65; minus strand). Cytogenetic location: 1p31.3.
Variant type: single nucleotide variant.
Coding change: c.1178C>A on transcript NM_000329.3 (MANE Select); coding-DNA position 1178, C replaced by A.
Protein change: p.Ala393Glu; replaces alanine 393 with glutamic acid.
Molecular consequence: missense variant.
Genome position (GRCh38, 1-based): chr1:68,431,536, G>T on the plus strand (C>A on the coding strand, the complement: RPE65 is on the minus strand). VCF-style: chr1-68431536-G-T. GRCh37 (hg19) VCF-style: chr1-68897219-G-T.
Other names: short protein forms A393E.
Identifiers: ClinVar variation 1303016 (VCV001303016.4), dbSNP rs62635773, ClinGen allele CA340743281.
Genomic context (GRCh38, chr1:68,431,536, plus strand): 5'-CGAGGCCCTGAAAAGAGAACTTCAGGCTCCAGCCAGATAGTCTCGTCACTGCACAGAATT[G>T]CAGTGGCAGTTGTATTGGGGAGCGTGACTAAATTCTTGCCTGTGTCAGCCTAGGAGAGAA-3'
Protein context (NP_000320.1, residues 383-403): LVTLPNTTAT[Ala393Glu]ILCSDETIWL

ClinVar aggregate classification (germline): Conflicting classifications of pathogenicity. Review status: criteria provided, conflicting classifications (1 of 4 stars). 3 submissions from 3 submitters: Likely pathogenic (1); Uncertain significance (2). Last evaluated 2026-05-05.

Conditions:
RPE65-related recessive retinopathy. Also called: Recessive RPE65 retinopathy. Identifiers: MedGen CN305526, MONDO:0100368.
Leber congenital amaurosis (LCA). Also called: Leber's amaurosis. Identifiers: Orphanet 65, MedGen C0339527, MeSH D057130, MONDO:0018998.

Allele frequency attached by ClinVar (database versions not stated): TOPMed below 0.00001; gnomAD 0.00001.
gnomAD v4.1: 1 of 1,613,838 alleles (0.000062%); highest among the groups gnomAD compares: Non-Finnish European, 0.000085%; no homozygotes.

Submissions (3):

Myriad Genetics, Inc.
Classification: Uncertain significance for RPE65-related recessive retinopathy. Last evaluated: 2026-05-05. Review status: criteria provided, single submitter. Criteria: Myriad Autosomal Dominant, Autosomal Recessive and X-Linked Classification Criteria (2023). Collection method: clinical testing. Allele origin: unknown.
Comment: NM_000329.2(RPE65):c.1178C>A(A393E) is a missense variant classified as a variant of uncertain significance in the context of inherited retinal dystrophy, RPE65-related. A393E has been observed in a case with relevant disease (PMID: 19959640). Relevant functional assessments of this variant are not available in the literature. A393E has not been observed in referenced population frequency databases. In summary, there is insufficient evidence to classify NM_000329.2(RPE65):c.1178C>A(A393E) as pathogenic or benign. Please note: this variant was assessed in the context of healthy population screening.

Natera, Inc.
Classification: Likely pathogenic for Leber congenital amaurosis. Last evaluated: 2025-12-18. Review status: criteria provided, single submitter. Criteria: Natera Variant Classification Schema (03/2026). Collection method: clinical testing. Allele origin: germline.
Comment: The c.1178C>A variant in RPE65 is a missense variant predicted to cause substitution of alanine to glutamic acid at amino acid 393. This variant is rare in the general population with a frequency below the threshold expected for the associated phenotype(s). This variant has been observed in one or more individuals affected with the associated recessive disease, as either homozygous or compound heterozygous with a second variant (PMID: 16205573). This variant has been observed to segregate in affected family members (PMID: 16205573). Computational prediction algorithms indicate this variant is likely to affect gene or protein function. Given the available evidence, this variant is classified as Likely Pathogenic.

GeneDx
Classification: Uncertain significance. Last evaluated: 2019-11-26. Review status: criteria provided, single submitter. Criteria: GeneDx Variant Classification Process June 2021. Collection method: clinical testing. Allele origin: germline. Affected: yes.
Comment: Not observed in large population cohorts (Lek et al., 2016); In silico analysis, which includes protein predictors and evolutionary conservation, supports a deleterious effect; This variant is associated with the following publications: (PMID: 17964524, 20079931, 19959640)

Literature cited by the submitters: PubMed 19959640 (cited by Myriad Genetics, Inc.); PubMed 16205573 (cited by Natera, Inc.).